The following is an entry in ClinVar:

ClinVar aggregate classification (germline): Uncertain significance (1 of 4 stars; one submission).

Submission:

GeneDx
Classification: Uncertain significance. Last evaluated: 2024-03-02. Review status: criteria provided, single submitter. Criteria: GeneDx Variant Classification Process June 2021. Collection method: clinical testing. Allele origin: germline. Affected: yes.
Comment: Not observed at significant frequency in large population cohorts (gnomAD); Has not been previously published as pathogenic or benign to our knowledge; Frameshift variant predicted to result in protein truncation or nonsense mediated decay in a gene or region of a gene for which loss of function is not a well-established mechanism of disease

NM_001270.4(CHD1):c.4301del (p.Pro1434fs)

Gene: CHD1 (chromodomain helicase DNA binding protein 1; minus strand). Cytogenetic location: 5q15.
Variant type: Deletion.
Coding change: c.4301del on transcript NM_001270.4 (MANE Select); coding-DNA position 4301, one base deleted (C; older notation c.4301delC).
Protein change: p.Pro1434fs; shifts the reading frame from proline 1434.
Molecular consequence: frameshift variant. On other transcripts: non-coding transcript variant (1).
Genome position (GRCh38, 1-based): chr5:98,863,534, G deleted on the plus strand (C on the coding strand, the reverse complement: CHD1 is on the minus strand); the first of 2 consecutive G bases (chr5:98,863,534-98,863,535); deleting either gives the same sequence. VCF-style (leftmost placement, unchanged base first): chr5-98863533-AG-A. GRCh37 (hg19) VCF-style: chr5-98199237-AG-A.
Other names: c.4565del, p.Pro1522fs (NM_001364113.3); c.4301del, p.Pro1434fs (NM_001376194.2); short protein forms P1434fs, P1522fs.
Identifiers: ClinVar variation 3369535 (VCV003369535.1).